The following is an entry in ClinVar:

NM_001126128.2(PROK2):c.64C>T (p.Pro22Ser)

Gene: PROK2 (prokineticin 2; minus strand). Cytogenetic location: 3p13.
Variant type: single nucleotide variant.
Coding change: c.64C>T on transcript NM_001126128.2 (MANE Select); coding-DNA position 64, C replaced by T.
Protein change: p.Pro22Ser; replaces proline 22 with serine.
Molecular consequence: missense variant.
Genome position (GRCh38, 1-based): chr3:71,784,989, G>A on the plus strand (C>T on the coding strand, the complement: PROK2 is on the minus strand). VCF-style: chr3-71784989-G-A. GRCh37 (hg19) VCF-style: chr3-71834140-G-A.
Other names: c.64C>T, p.Pro22Ser (NM_021935.4); short protein forms P22S.
Identifiers: ClinVar variation 3778550 (VCV003778550.7).

ClinVar aggregate classification (germline): Uncertain significance (1 of 4 stars; one submission).

gnomAD v4.1: 1 of 1,249,428 alleles (0.00008%); highest among the groups gnomAD compares: Non-Finnish European, 0.0001%; no homozygotes.

Submission:

CeGaT Center for Human Genetics Tuebingen
Classification: Uncertain significance. Last evaluated: 2025-03-01. Review status: criteria provided, single submitter. Criteria: CeGaT Center For Human Genetics Tuebingen Variant Classification Criteria Version 2. Collection method: clinical testing. Allele origin: germline. Affected: yes. Observed: 1 variant allele.
Comment: PROK2: PP3